The following is an entry in ClinVar:

NM_015559.3(SETBP1):c.1652C>T (p.Ser551Phe)

Gene: SETBP1 (SET binding protein 1; plus strand). Cytogenetic location: 18q12.3.
Variant type: single nucleotide variant.
Coding change: c.1652C>T on transcript NM_015559.3 (MANE Select); coding-DNA position 1652, C replaced by T.
Protein change: p.Ser551Phe; replaces serine 551 with phenylalanine.
Molecular consequence: missense variant.
Genome position (GRCh38, 1-based): chr18:44,950,992, C>T. VCF-style: chr18-44950992-C-T. GRCh37 (hg19) VCF-style: chr18-42530957-C-T.
Other names: c.1652C>T, p.Ser551Phe (NM_001379141.1, NM_001379142.1, NM_001410862.1); short protein forms S551F.
Identifiers: ClinVar variation 2662616 (VCV002662616.1), dbSNP rs770003824, ClinGen allele CA8945654.

ClinVar aggregate classification (germline): Uncertain significance (1 of 4 stars; one submission).

Allele frequency attached by ClinVar (database versions not stated): gnomAD exomes below 0.00001; ExAC 0.00001.
gnomAD v4.1: 2 of 1,614,092 alleles (0.00012%); highest among the groups gnomAD compares: Admixed American, 0.0033%; no homozygotes.

Submission:

GeneDx
Classification: Uncertain significance. Last evaluated: 2023-05-18. Review status: criteria provided, single submitter. Criteria: GeneDx Variant Classification Process June 2021. Collection method: clinical testing. Allele origin: germline. Affected: yes.
Comment: In silico analysis supports that this missense variant has a deleterious effect on protein structure/function; Has not been previously published as pathogenic or benign to our knowledge